The following is an entry in ClinVar:

NM_020812.4(DOCK6):c.5810C>A (p.Ser1937Tyr)

Gene: DOCK6 (dedicator of cytokinesis 6; minus strand). Cytogenetic location: 19p13.2.
Variant type: single nucleotide variant.
Coding change: c.5810C>A on transcript NM_020812.4 (MANE Select); coding-DNA position 5810, C replaced by A.
Protein change: p.Ser1937Tyr; replaces serine 1937 with tyrosine.
Molecular consequence: missense variant.
Genome position (GRCh38, 1-based): chr19:11,200,931, G>T on the plus strand (C>A on the coding strand, the complement: DOCK6 is on the minus strand). VCF-style: chr19-11200931-G-T. GRCh37 (hg19) VCF-style: chr19-11311607-G-T.
Other names: c.5810C>A (NM_020812.3); c.5915C>A, p.Ser1972Tyr (NM_001367830.1); short protein forms S1937Y, S1972Y.
Identifiers: ClinVar variation 4243972 (VCV004243972.4).
Genomic context (GRCh38, chr19:11,200,931, plus strand): 5'-CCCCCGTGCGGCTTGCATCCCCCTTCCACCAGCCGTGCCTGGTTCACGGTGGGCCCTACA[G>T]AGCCCTGAAGCACCATCTGTAGCATCTTAGCATCTGGTGGGTCCTGCTCGGTGGCAAAGG-3'
Protein context (NP_065863.2, residues 1927-1947): AKMLQMVLQG[Ser1937Tyr]VGPTVNQGPL

ClinVar aggregate classification (germline): Conflicting classifications of pathogenicity. Review status: criteria provided, conflicting classifications (1 of 4 stars). 3 submissions from 3 submitters: Likely pathogenic (1); Uncertain significance (2). Last evaluated 2026-08-19.

Conditions:
Inborn genetic diseases. Identifiers: MedGen C0950123, MeSH D030342.

gnomAD v4.1: 4 of 1,613,934 alleles (0.00025%); highest among the groups gnomAD compares: Non-Finnish European, 0.00034%; no homozygotes.

Submissions (3):

GeneDx
Classification: Likely pathogenic. Last evaluated: 2026-08-19. Review status: criteria provided, single submitter. Criteria: GeneDx Variant Classification Process June 2021. Collection method: clinical testing. Allele origin: germline.
Comment: Not observed at significant frequency in large population cohorts (gnomAD); In silico analysis supports that this missense variant has a deleterious effect on protein structure/function; Has not been previously published as pathogenic or benign to our knowledge

Ambry Genetics
Classification: Uncertain significance for Inborn genetic diseases. Last evaluated: 2025-08-13. Review status: criteria provided, single submitter. Criteria: Ambry Variant Classification Scheme 2023. Collection method: clinical testing. Allele origin: germline.

Blueprint Genetics
Classification: Uncertain significance. Last evaluated: 2023-04-06. Review status: criteria provided, single submitter. Criteria: ACMG Guidelines, 2015. Collection method: clinical testing. Allele origin: germline.